The following is an entry in ClinVar:

NM_001048174.2(MUTYH):c.941G>A (p.Cys314Tyr)

Gene: MUTYH (mutY DNA glycosylase; minus strand). Cytogenetic location: 1p34.1.
Variant type: single nucleotide variant.
Coding change: c.941G>A on transcript NM_001048174.2 (MANE Select); coding-DNA position 941, G replaced by A.
Protein change: p.Cys314Tyr; replaces cysteine 314 with tyrosine.
Molecular consequence: missense variant. On other transcripts: non-coding transcript variant (2).
Genome position (GRCh38, 1-based): chr1:45,331,822, C>T on the plus strand (G>A on the coding strand, the complement: MUTYH is on the minus strand). VCF-style: chr1-45331822-C-T. GRCh37 (hg19) VCF-style: chr1-45797494-C-T.
Other names: c.941G>A, p.Cys314Tyr (NM_001048171.2, NM_001048173.2, NM_001293195.2 and 6 more transcripts); c.944G>A, p.Cys315Tyr (NM_001048172.2, NM_001407071.1, NM_001407078.1 and 1 more transcripts); c.1025G>A, p.Cys342Tyr (NM_001128425.2); c.986G>A, p.Cys329Tyr (NM_001293190.2); c.974G>A, p.Cys325Tyr (NM_001293191.2, NM_001407069.1, NM_001407077.1); c.665G>A, p.Cys222Tyr (NM_001293192.2, NM_001293196.2, NM_001407091.1); c.596G>A, p.Cys199Tyr (NM_001350650.2, NM_001350651.2, NM_001407082.1); c.962G>A, p.Cys321Tyr (NM_001407087.1); and 5 more; short protein forms C315Y, C328Y, C222Y, C286Y, C301Y, C314Y, C339Y, C199Y.
Identifiers: ClinVar variation 2012380 (VCV002012380.4), dbSNP rs2524020985, ClinGen allele CA340133844.

ClinVar aggregate classification (germline): Uncertain significance (1 of 4 stars; one submission).

Conditions:
Familial adenomatous polyposis 2. Also called: COLORECTAL ADENOMATOUS POLYPOSIS, AUTOSOMAL RECESSIVE; ADENOMAS, MULTIPLE COLORECTAL, AUTOSOMAL RECESSIVE; Adenomas, multiple colorectal; MYH-associated polyposis; MUTYH-associated polyposis; MUTYH-related attenuated familial adenomatous polyposis. Identifiers: Orphanet 220460, Orphanet 247798, MedGen C3272841, MONDO:0012041, OMIM 608456.

Submission:

Labcorp Genetics (formerly Invitae), Labcorp
Classification: Uncertain significance for Familial adenomatous polyposis 2. Last evaluated: 2022-06-30. Review status: criteria provided, single submitter. Criteria: Invitae Variant Classification Sherloc (09022015). Collection method: clinical testing. Allele origin: germline.
Comment: In summary, the available evidence is currently insufficient to determine the role of this variant in disease. Therefore, it has been classified as a Variant of Uncertain Significance. Algorithms developed to predict the effect of missense changes on protein structure and function are either unavailable or do not agree on the potential impact of this missense change (SIFT: "Tolerated"; PolyPhen-2: "Probably Damaging"; Align-GVGD: "Class C15"). This variant has not been reported in the literature in individuals affected with MUTYH-related conditions. This variant is not present in population databases (gnomAD no frequency). This sequence change replaces cysteine, which is neutral and slightly polar, with tyrosine, which is neutral and polar, at codon 342 of the MUTYH protein (p.Cys342Tyr).